The following is an entry in ClinVar:

NM_000548.5(TSC2):c.225+2T>C

Gene: TSC2 (TSC complex subunit 2; plus strand). Cytogenetic location: 16p13.3.
Variant type: single nucleotide variant.
Coding change: c.225+2T>C on transcript NM_000548.5 (MANE Select); the canonical splice donor site of the intron after coding-DNA position 225, T replaced by C.
Molecular consequence: splice donor variant.
Genome position (GRCh38, 1-based): chr16:2,050,488, T>C. VCF-style: chr16-2050488-T-C. GRCh37 (hg19) VCF-style: chr16-2100489-T-C.
Other names: c.-1513+2T>C (NM_001406693.1); c.225+2T>C (NM_001406667.1, NM_001406668.1, NM_001114382.3 and 14 more transcripts); c.-592+2T>C (NM_001406680.1, NM_001406683.1, NM_001406687.1); c.-1207+2T>C (NM_001406689.1, NM_001406690.1, NM_001406692.1 and 2 more transcripts); c.-1383+2T>C (NM_001406698.1); c.258+2T>C (NM_001318832.2); c.-1088+2T>C (NM_001406694.1, NM_001406695.1); c.-1195+2T>C (NM_001406696.1); and 3 more.
Identifiers: ClinVar variation 834629 (VCV000834629.13), dbSNP rs397515105, ClinGen allele CA394303684.

ClinVar aggregate classification (germline): Uncertain significance. Review status: criteria provided, multiple submitters, no conflicts (2 of 4 stars). 5 submissions from 5 submitters: Uncertain significance (4). 1 of the submissions does not count toward it. Last evaluated 2025-03-24.

Conditions:
Hereditary cancer-predisposing syndrome. Also called: Neoplastic Syndromes, Hereditary; Hereditary Cancer Syndrome; Tumor predisposition; Hereditary neoplastic syndrome. Identifiers: Orphanet 140162, MedGen C0027672, MeSH D009386, MONDO:0015356.
Tuberous sclerosis 2 (TSC2). Identifiers: Orphanet 805, MedGen C1860707, MONDO:0013199, OMIM 613254.
TSC2-related disorder. Also called: TSC2-Related Disorders; TSC2-related condition.

Allele frequency attached by ClinVar (database versions not stated): gnomAD exomes below 0.00001.
gnomAD v4.1: 1 of 1,613,348 alleles (0.000062%); highest among the groups gnomAD compares: South Asian, 0.0011%; no homozygotes.

Submissions (5):

Labcorp Genetics (formerly Invitae), Labcorp
Classification: Uncertain significance for Tuberous sclerosis 2. Last evaluated: 2025-03-24. Review status: criteria provided, single submitter. Criteria: Invitae Variant Classification Sherloc (09022015). Collection method: clinical testing. Allele origin: germline.
Comment: This sequence change affects a donor splice site in intron 3 of the TSC2 gene. It is expected to disrupt RNA splicing. Variants that disrupt the donor or acceptor splice site typically lead to a loss of protein function (PMID: 16199547), and loss-of-function variants in TSC2 are known to be pathogenic (PMID: 10205261, 17304050). This variant is not present in population databases (gnomAD no frequency). This variant has not been reported in the literature in individuals affected with TSC2-related conditions. ClinVar contains an entry for this variant (Variation ID: 834629). Algorithms developed to predict the effect of sequence changes on RNA splicing suggest that this variant may disrupt the consensus splice site. In summary, the available evidence is currently insufficient to determine the role of this variant in disease. Therefore, it has been classified as a Variant of Uncertain Significance.

PreventionGenetics, part of Exact Sciences
Classification: Uncertain significance for TSC2-related condition. Last evaluated: 2025-03-20. Review status: criteria provided, single submitter. Criteria: ACMG Guidelines, 2015. Collection method: clinical testing. Allele origin: germline.
Comment: The TSC2 c.225+2T>C variant is predicted to disrupt the GT donor site and interfere with normal splicing. This variant was reported in an individual undergoing whole exome sequencing for epilepsy and interpreted as a likely pathogenic variant (suppl. Table 2 in McKnight et al. 2021. PubMed ID: 34926809). A different substitution impacting the same splice donor site (c.225+2T>A) was reported to have occurred de novo in an individual with tuberous sclerosis complex (Nellist et al. 2015. PubMed ID: 25927202). However, approximately 15% to 18% of canonical 5' splice site GT>GC variants alterations may generate 1% and 84% normal transcripts in some genomic contexts (Lin et al. 2019. PubMed ID: 31131953). This variant has not been reported in a large population database (gnomAD), indicating it is rare. This variant has conflicting interpretations in the ClinVar database ranging from uncertain to likely pathogenic. Although we suspect that the c.225+2T>C variant could be pathogenic, at this time, the clinical significance of this variant is uncertain due to the absence of conclusive functional and genetic evidence.

GeneDx
Classification: Uncertain significance. Last evaluated: 2024-06-12. Review status: criteria provided, single submitter. Criteria: GeneDx Variant Classification Process June 2021. Collection method: clinical testing. Allele origin: germline. Affected: yes.
Comment: Identified in an individual with epilepsy in the published literature, however, further clinical details were not provided (PMID: 34926809); Identified as a secondary finding in an individual undergoing whole exome sequencing (PMID: 32794656); Targeted RNA studies in blood from a patient without TSC2-related features previously tested at GeneDx suggest altered RNA splicing at low levels; Not observed at significant frequency in large population cohorts (gnomAD); This variant is associated with the following publications: (PMID: 18466115, 32794656, 34926809)

Ambry Genetics
Classification: Uncertain significance for Hereditary cancer-predisposing syndrome. Last evaluated: 2023-12-14. Review status: criteria provided, single submitter. Criteria: Ambry Variant Classification Scheme 2023. Collection method: clinical testing. Allele origin: germline.
Comment: The c.225+2T>C intronic variant results from a T to C substitution two nucleotide after coding exon 2 of the TSC2 gene. This nucleotide position is highly conserved in available vertebrate species. In silico splice site analysis predicts that this alteration will weaken the native splice donor site and may result in the creation or strengthening of a novel splice donor site. Alterations that disrupt the canonical splice site are expected to cause aberrant splicing. The resulting transcript is predicted to be in-frame and is not expected to trigger nonsense-mediated mRNA decay. The exact functional effect of the altered amino acid sequence is unknown. Additionally, +2T>C alterations are capable of generating wild-type transcripts in some genomic contexts and should be interpreted with caution (Lin JH et al. Hum Mutat. 2019 10;40:1856-1873). Since supporting evidence is limited at this time, the clinical significance of this alteration remains unclear.

Clinical Genomics Laboratory, Stanford Medicine
Classification: Likely pathogenic for Tuberous sclerosis 2. Last evaluated: 2019-11-14. Review status: no assertion criteria provided. Collection method: clinical testing. Allele origin: germline. Inheritance: Autosomal dominant inheritance. Affected: yes. Not counted in ClinVar's aggregate classification.
Comment: The c.225+2T>C variant in the TSC2 gene has not been previously reported in association with disease and was absent from large population databases, including the Genome Aggregation Database. This variant alters the canonical donor splice site in intron 3, which is predicted to result in abnormal gene splicing. Notably, a different nucleotide change at this position (c.225+2T>A) has been previously reported de novo in an individual with features of tuberous sclerosis complex (Nellist et al., 2015), suggesting the c.225+2T>C variant may similarly be associated with tuberous sclerosis complex. Heterozygous loss of function is an established mechanism of disease for the TSC2 gene. These data were assessed using the ACMG/AMP variant interpretation guidelines. In summary, there is sufficient evidence to classify the c.225+2T>C variant as likely pathogenic for tuberous sclerosis complex in an autosomal dominant manner based on the information above. [ACMG evidence codes used: PVS1_Strong; PM2]

Literature cited by the submitters: PubMed 16199547 (cited by Labcorp Genetics (formerly Invitae), Labcorp); PubMed 10205261 (cited by Labcorp Genetics (formerly Invitae), Labcorp); PubMed 17304050 (cited by Labcorp Genetics (formerly Invitae), Labcorp).